The following is an entry in ClinVar:

NM_001987.5(ETV6):c.1199_1222dup (p.Ile407_Arg408insAsnTyrTyrLysLeuAsnIleIle)

Gene: ETV6 (ETS variant transcription factor 6; plus strand). Cytogenetic location: 12p13.2.
Variant type: Duplication.
Coding change: c.1199_1222dup on transcript NM_001987.5 (MANE Select); coding-DNA positions 1199 to 1222, 24 bases duplicated (ACTACTACAAACTAAACATTATCA).
Protein change: p.Ile407_Arg408insAsnTyrTyrLysLeuAsnIleIle.
Molecular consequence: inframe insertion.
Genome position (GRCh38, 1-based): chr12:11,885,972-11,885,995, ACTACTACAAACTAAACATTATCA duplicated. VCF-style (leftmost placement, unchanged base first): chr12-11885971-C-CACTACTACAAACTAAACATTATCA. GRCh37 (hg19) VCF-style: chr12-12038905-C-CACTACTACAAACTAAACATTATCA.
Identifiers: ClinVar variation 504142 (VCV000504142.2), dbSNP rs1555147704, ClinGen allele CA658797843.

ClinVar aggregate classification (germline): Uncertain significance (1 of 4 stars; one submission).

Submission:

GeneDx
Classification: Uncertain significance. Last evaluated: 2018-02-07. Review status: criteria provided, single submitter. Criteria: GeneDx Variant Classification (06012015). Collection method: clinical testing. Allele origin: germline. Affected: yes.
Comment: The c.1199_1222dup24 variant in the ETV6 gene has not been reported previously as a pathogenic variant nor as a benign variant, to our knowledge. This 24-nucleotide duplication results in the in-frame insertion of 8 amino acids between residues Isoleucine 407 and Arginine 408, denoted p.Ile407_Arg408insAsnTyrTyrLysLeuAsnIleIle. In-silico analyses, including protein predictors and evolutionary conservation, support a deleterious effect. The c.1199_1222dup24 variant is not observed in large population cohorts (Lek et al., 2016). We interpret c.1199_1222dup24 as a variant of uncertain significance.